The following is an entry in ClinVar:

NM_015072.5(TTLL5):c.1435C>T (p.Arg479Ter)

Gene: TTLL5 (tubulin tyrosine ligase like 5; plus strand). Cytogenetic location: 14q24.3.
Variant type: single nucleotide variant.
Coding change: c.1435C>T on transcript NM_015072.5 (MANE Select); coding-DNA position 1435, C replaced by T.
Protein change: p.Arg479Ter; replaces arginine 479 with a stop codon.
Molecular consequence: nonsense.
Genome position (GRCh38, 1-based): chr14:75,745,529, C>T. VCF-style: chr14-75745529-C-T. GRCh37 (hg19) VCF-style: chr14-76211872-C-T.
Other names: short protein forms R479*.
Identifiers: ClinVar variation 290244 (VCV000290244.11), dbSNP rs753018563, ClinGen allele CA7279385.

ClinVar aggregate classification (germline): Pathogenic/Likely pathogenic. Review status: criteria provided, multiple submitters, no conflicts (2 of 4 stars). 3 submissions from 3 submitters: Pathogenic (1); Likely pathogenic (2). Last evaluated 2025-10-25.

Conditions:
TTLL5-related disorder. Also called: TTLL5-related condition.

Allele frequency attached by ClinVar (database versions not stated): TOPMed 0.00001; gnomAD 0.00002; gnomAD exomes 0.00002 and 0.00004; ExAC 0.00003.
gnomAD v4.1: 61 of 1,613,464 alleles (0.0038%); highest among the groups gnomAD compares: Non-Finnish European, 0.0048%; no homozygotes.

Submissions (3):

Labcorp Genetics (formerly Invitae), Labcorp
Classification: Pathogenic. Last evaluated: 2025-10-25. Review status: criteria provided, single submitter. Criteria: Invitae Variant Classification Sherloc (09022015). Collection method: clinical testing. Allele origin: germline.
Comment: This sequence change creates a premature translational stop signal (p.Arg479*) in the TTLL5 gene. It is expected to result in an absent or disrupted protein product. Loss-of-function variants in TTLL5 are known to be pathogenic (PMID: 24791901, 27162334). This variant is present in population databases (rs753018563, gnomAD 0.004%). This variant has not been reported in the literature in individuals affected with TTLL5-related conditions. ClinVar contains an entry for this variant (Variation ID: 290244). For these reasons, this variant has been classified as Pathogenic.

Blueprint Genetics
Classification: Likely pathogenic for TTLL5-related disorders. Last evaluated: 2024-04-30. Review status: criteria provided, single submitter. Criteria: ACMG Guidelines, 2015. Collection method: clinical testing. Allele origin: germline. Affected: yes. Observed: 5 variant alleles.

Eurofins Ntd Llc (ga)
Classification: Likely pathogenic. Last evaluated: 2016-08-11. Review status: criteria provided, single submitter. Criteria: EGL Classification Definitions 2015. Collection method: clinical testing. Allele origin: germline. Observed: 1 variant allele, 1 heterozygote.

Literature cited by the submitters: PubMed 24791901 (cited by Labcorp Genetics (formerly Invitae), Labcorp); PubMed 27162334 (cited by Labcorp Genetics (formerly Invitae), Labcorp).